The following is an entry in ClinVar:

ClinVar aggregate classification (germline): Uncertain significance. Review status: criteria provided, multiple submitters, no conflicts (2 of 4 stars). 5 submissions from 4 submitters: Uncertain significance (5). Last evaluated 2025-12-22.

Conditions:
Birt-Hogg-Dube syndrome. Also called: Birt Hogg Dubé syndrome. Identifiers: Orphanet 122, MedGen C0346010, MONDO:0800444.
Birt-Hogg-Dube syndrome 1 (BHD1). Also called: FIBROFOLLICULOMAS WITH TRICHODISCOMAS AND ACROCHORDONS. Identifiers: Orphanet 122, MedGen CN375946, MONDO:0800445, OMIM 135150.
Hereditary cancer-predisposing syndrome. Also called: Neoplastic Syndromes, Hereditary; Hereditary neoplastic syndrome; Hereditary Cancer Syndrome; Tumor predisposition. Identifiers: Orphanet 140162, MedGen C0027672, MeSH D009386, MONDO:0015356.

gnomAD v4.1: 8 of 1,614,168 alleles (0.0005%); highest among the groups gnomAD compares: Non-Finnish European, 0.00068%; no homozygotes.

Submissions (5):

Labcorp Genetics (formerly Invitae), Labcorp
Classification: Uncertain significance for Birt-Hogg-Dube syndrome. Last evaluated: 2025-12-22. Review status: criteria provided, single submitter. Criteria: Invitae Variant Classification Sherloc (09022015). Collection method: clinical testing. Allele origin: germline.
Comment: This sequence change replaces alanine, which is neutral and non-polar, with threonine, which is neutral and polar, at codon 489 of the FLCN protein (p.Ala489Thr). This variant is present in population databases (rs757222242, gnomAD 0.0009%). This variant has not been reported in the literature in individuals affected with FLCN-related conditions. ClinVar contains an entry for this variant (Variation ID: 998340). Invitae Evidence Modeling of protein sequence and biophysical properties (such as structural, functional, and spatial information, amino acid conservation, physicochemical variation, residue mobility, and thermodynamic stability) indicates that this missense variant is not expected to disrupt FLCN protein function with a negative predictive value of 80%. In summary, the available evidence is currently insufficient to determine the role of this variant in disease. Therefore, it has been classified as a Variant of Uncertain Significance.

Ambry Genetics
Classification: Uncertain significance for Hereditary cancer-predisposing syndrome. Last evaluated: 2025-02-06. Review status: criteria provided, single submitter. Criteria: Ambry Variant Classification Scheme 2023. Collection method: clinical testing. Allele origin: germline.
Comment: The p.A489T variant (also known as c.1465G>A), located in coding exon 10 of the FLCN gene, results from a G to A substitution at nucleotide position 1465. The alanine at codon 489 is replaced by threonine, an amino acid with similar properties. This amino acid position is highly conserved in available vertebrate species. In addition, this alteration is predicted to be deleterious by in silico analysis. Since supporting evidence is limited at this time, the clinical significance of this alteration remains unclear.

Baylor Genetics
Classification: Uncertain significance for Birt-Hogg-Dube syndrome 1. Last evaluated: 2024-01-08. Review status: criteria provided, single submitter. Criteria: ACMG Guidelines, 2015. Collection method: clinical testing. Allele origin: unknown.

GeneDx
Classification: Uncertain significance. Last evaluated: 2022-11-03. Review status: criteria provided, single submitter. Criteria: GeneDx Variant Classification Process June 2021. Collection method: clinical testing. Allele origin: germline. Affected: yes.
Comment: Not observed at significant frequency in large population cohorts (gnomAD); In silico analysis supports that this missense variant does not alter protein structure/function; Has not been previously published as pathogenic or benign to our knowledge; This variant is associated with the following publications: (PMID: 17028174)

Baylor Genetics
Classification: Uncertain significance for Birt-Hogg-Dube syndrome 1. Last evaluated: 2019-01-23. Review status: criteria provided, single submitter. Criteria: ACMG Guidelines, 2015. Collection method: clinical testing. Allele origin: maternal. Affected: yes. Study: CSER-TexasKidsCanSeq.
Comment: This variant was determined to be of uncertain significance according to ACMG Guidelines, 2015 [PMID:25741868].

NM_144997.7(FLCN):c.1465G>A (p.Ala489Thr)

Gene: FLCN (folliculin; minus strand). Cytogenetic location: 17p11.2.
Variant type: single nucleotide variant.
Coding change: c.1465G>A on transcript NM_144997.7 (MANE Select); coding-DNA position 1465, G replaced by A.
Protein change: p.Ala489Thr; replaces alanine 489 with threonine.
Molecular consequence: missense variant.
Genome position (GRCh38, 1-based): chr17:17,215,058, C>T on the plus strand (G>A on the coding strand, the complement: FLCN is on the minus strand). VCF-style: chr17-17215058-C-T. GRCh37 (hg19) VCF-style: chr17-17118372-C-T.
Other names: c.1519G>A, p.Ala507Thr (NM_001353229.2); c.1465G>A, p.Ala489Thr (NM_001353230.2, NM_001353231.2); short protein forms A489T, A507T.
Identifiers: ClinVar variation 998340 (VCV000998340.16), dbSNP rs757222242, ClinGen allele CA288305186.